The following is an entry in ClinVar:

NM_053025.4(MYLK):c.2140+5G>C

Gene: MYLK (myosin light chain kinase; minus strand). Cytogenetic location: 3q21.1.
Variant type: single nucleotide variant.
Coding change: c.2140+5G>C on transcript NM_053025.4 (MANE Select); 5 bases into the intron after coding-DNA position 2140, G replaced by C.
Molecular consequence: intron variant.
Genome position (GRCh38, 1-based): chr3:123,708,693, C>G on the plus strand (G>C on the coding strand, the complement: MYLK is on the minus strand). VCF-style: chr3-123708693-C-G. GRCh37 (hg19) VCF-style: chr3-123427540-C-G.
Other names: c.1612+5G>C (NM_001321309.2); c.1933+5G>C (NM_053028.4, NM_053026.4); c.2140+5G>C (NM_053027.4).
Identifiers: ClinVar variation 1318818 (VCV001318818.8), dbSNP rs758546370, ClinGen allele CA2573052064.

ClinVar aggregate classification (germline): Uncertain significance. Review status: criteria provided, multiple submitters, no conflicts (2 of 4 stars). 2 submissions from 2 submitters: Uncertain significance (2). Last evaluated 2024-10-07.

Conditions:
Aortic aneurysm, familial thoracic 7 (AAT7). Also called: AORTIC DISSECTION, FAMILIAL, WITH OR WITHOUT AORTIC ANEURYSM. Identifiers: MedGen C3151077, MONDO:0013418, OMIM 613780.

gnomAD v4.1: 2 of 1,614,020 alleles (0.00012%); highest among the groups gnomAD compares: Non-Finnish European, 0.00017%; no homozygotes.

Submissions (2):

Labcorp Genetics (formerly Invitae), Labcorp
Classification: Uncertain significance for Aortic aneurysm, familial thoracic 7. Last evaluated: 2024-10-07. Review status: criteria provided, single submitter. Criteria: Invitae Variant Classification Sherloc (09022015). Collection method: clinical testing. Allele origin: germline.
Comment: This sequence change falls in intron 15 of the MYLK gene. It does not directly change the encoded amino acid sequence of the MYLK protein. It affects a nucleotide within the consensus splice site. This variant is not present in population databases (gnomAD no frequency). This variant has not been reported in the literature in individuals affected with MYLK-related conditions. ClinVar contains an entry for this variant (Variation ID: 1318818). Variants that disrupt the consensus splice site are a relatively common cause of aberrant splicing (PMID: 17576681, 9536098). Algorithms developed to predict the effect of sequence changes on RNA splicing suggest that this variant may disrupt the consensus splice site. In summary, the available evidence is currently insufficient to determine the role of this variant in disease. Therefore, it has been classified as a Variant of Uncertain Significance.

GeneDx
Classification: Uncertain significance. Last evaluated: 2019-09-16. Review status: criteria provided, single submitter. Criteria: GeneDx Variant Classification Process June 2021. Collection method: clinical testing. Allele origin: germline. Affected: yes.
Comment: Has not been previously published as pathogenic or benign to our knowledge; Not observed in large population cohorts (Lek et al., 2016); In-silico analysis, which includes splice predictors and evolutionary conservation, is inconclusive as to whether the variant alters gene splicing; in the absence of RNA/functional studies, the actual effect of this sequence change is unknown

Literature cited by the submitters: PubMed 17576681 (cited by Labcorp Genetics (formerly Invitae), Labcorp); PubMed 9536098 (cited by Labcorp Genetics (formerly Invitae), Labcorp).